The following is an entry in ClinVar:

ClinVar aggregate classification (germline): Likely pathogenic (1 of 4 stars; one submission).

Conditions:
Neurodevelopmental disorder with microcephaly, hypotonia, and variable brain anomalies (NMIHBA). Identifiers: Orphanet 544469, MedGen C4479566, MONDO:0060490, OMIM 617481.

Submission:

Foundation for Research in Genetics and Endocrinology, FRIGE's Institute of Human Genetics
Classification: Likely pathogenic for Neurodevelopmental disorder with microcephaly, hypotonia, and variable brain anomalies. Last evaluated: 2025-09-16. Review status: criteria provided, single submitter. Criteria: ACMG Guidelines, 2015. Collection method: clinical testing. Allele origin: germline. Inheritance: Autosomal recessive inheritance. Affected: yes. Observed: 1 variant allele, 1 homozygote.
Comment: A homozygous deletion chr1 (150981148_150990287)_(150991146_150997086)del, encompassing exons 2-3 of the PRUNE1 gene was detected. In summary, the variant meets our criteria to be classified as likely pathogenic.

NC_000001.10:g.(150981148_150990287)_(150991146_150997086)del

Gene: PRUNE1 (prune exopolyphosphatase 1; plus strand). Cytogenetic location: 1q21.3.
Variant type: Deletion.
Identifiers: ClinVar variation 4880241 (VCV004880241.1).